The following is an entry in ClinVar:

ClinVar aggregate classification (germline): Uncertain significance. Review status: criteria provided, multiple submitters, no conflicts (2 of 4 stars). 2 submissions from 2 submitters: Uncertain significance (2). Last evaluated 2023-10-21.

Conditions:
Hereditary cancer-predisposing syndrome. Also called: Neoplastic Syndromes, Hereditary; Hereditary Cancer Syndrome; Hereditary neoplastic syndrome; Tumor predisposition. Identifiers: Orphanet 140162, MedGen C0027672, MeSH D009386, MONDO:0015356.

Allele frequency attached by ClinVar (database versions not stated): gnomAD exomes below 0.00001 and 0.00001; ExAC 0.00001.
gnomAD v4.1: 2 of 1,611,280 alleles (0.00012%); highest among the groups gnomAD compares: South Asian, 0.0022%; no homozygotes.

Submissions (2):

Ambry Genetics
Classification: Uncertain significance for Hereditary cancer-predisposing syndrome. Last evaluated: 2023-10-21. Review status: criteria provided, single submitter. Criteria: Ambry Variant Classification Scheme 2023. Collection method: clinical testing. Allele origin: germline.
Comment: The p.N1702S variant (also known as c.5105A>G), located in coding exon 38 of the POLE gene, results from an A to G substitution at nucleotide position 5105. The asparagine at codon 1702 is replaced by serine, an amino acid with highly similar properties. This amino acid position is conserved. In addition, this alteration is predicted to be tolerated by in silico analysis. Since supporting evidence is limited at this time, the clinical significance of this alteration remains unclear.

Labcorp Genetics (formerly Invitae), Labcorp
Classification: Uncertain significance. Last evaluated: 2017-09-04. Review status: criteria provided, single submitter. Criteria: Invitae Variant Classification Sherloc (09022015). Collection method: clinical testing. Allele origin: germline.
Comment: In summary, the available evidence is currently insufficient to determine the role of this variant in disease. Therefore, it has been classified as a Variant of Uncertain Significance. Algorithms developed to predict the effect of missense changes on protein structure and function output the following: SIFT: "Tolerated"; PolyPhen-2: "Benign"; Align-GVGD: "Class C0". The serine amino acid residue is found in multiple mammalian species, suggesting that this missense change does not adversely affect protein function. These predictions have not been confirmed by published functional studies and their clinical significance is uncertain. This variant has not been reported in the literature in individuals with POLE-related disease. This variant is present in population databases (rs754086131, ExAC 0.008%). This sequence change replaces asparagine with serine at codon 1702 of the POLE protein (p.Asn1702Ser). The asparagine residue is moderately conserved and there is a small physicochemical difference between asparagine and serine.

NM_006231.4(POLE):c.5105A>G (p.Asn1702Ser)

Gene: POLE (DNA polymerase epsilon, catalytic subunit; minus strand). Cytogenetic location: 12q24.33.
Variant type: single nucleotide variant.
Coding change: c.5105A>G on transcript NM_006231.4 (MANE Select); coding-DNA position 5105, A replaced by G.
Protein change: p.Asn1702Ser; replaces asparagine 1702 with serine.
Molecular consequence: missense variant.
Genome position (GRCh38, 1-based): chr12:132,642,245, T>C on the plus strand (A>G on the coding strand, the complement: POLE is on the minus strand). VCF-style: chr12-132642245-T-C. GRCh37 (hg19) VCF-style: chr12-133218831-T-C.
Other names: c.5105A>G (NM_006231.2); short protein forms N1702S.
Identifiers: ClinVar variation 540793 (VCV000540793.9), dbSNP rs754086131, ClinGen allele CA6892628.
Genomic context (GRCh38, chr12:132,642,245, plus strand): 5'-TAACAGCCTGAACTGTTGATCTCAACAGTGGCTTGGTCATCGAACTCCATGACAAGACAG[T>C]TGTCATCAGCCTCCTTTCCACCCAGGTCAGGGCGGGCTGTAGGGGACAGCCAGAGCAGGT-3'
Protein context (NP_006222.2, residues 1692-1712): PDLGGKEADD[Asn1702Ser]CLVMEFDDQA